The following is an entry in ClinVar:

ClinVar aggregate classification (germline): Uncertain significance (1 of 4 stars; one submission).

Submission:

Greenwood Genetic Center Diagnostic Laboratories, Greenwood Genetic Center
Classification: Uncertain significance. Last evaluated: 2025-05-07. Review status: criteria provided, single submitter. Criteria: ACMG Guidelines, 2015. Collection method: clinical testing. Allele origin: germline. Affected: yes.
Comment: Gene of Uncertain Significance

NM_019024.3(HEATR5B):c.5471_5477del (p.Glu1824fs)

Gene: HEATR5B (HEAT repeat containing 5B; minus strand). Cytogenetic location: 2p22.2.
Variant type: Deletion.
Coding change: c.5471_5477del on transcript NM_019024.3 (MANE Select); coding-DNA positions 5471 to 5477, 7 bases deleted (AGGCTGG; older notation c.5471_5477delAGGCTGG).
Protein change: p.Glu1824fs; shifts the reading frame from glutamic acid 1824.
Molecular consequence: frameshift variant.
Genome position (GRCh38, 1-based): chr2:37,000,654-37,000,660, CCAGCCT deleted on the plus strand (AGGCTGG on the coding strand, the reverse complement: HEATR5B is on the minus strand); deleting any 7 consecutive bases within chr2:37,000,654-37,000,661 gives the same sequence; the c. name uses the placement nearest the transcript's 3' end. VCF-style (leftmost placement, unchanged base first): chr2-37000653-GCCAGCCT-G. GRCh37 (hg19) VCF-style: chr2-37227796-GCCAGCCT-G.
Other names: short protein forms E1824fs.
Identifiers: ClinVar variation 4538217 (VCV004538217.1).